The following is an entry in ClinVar:

ClinVar aggregate classification (germline): Pathogenic/Likely pathogenic. Review status: criteria provided, multiple submitters, no conflicts (2 of 4 stars). 3 submissions from 3 submitters: Pathogenic (1); Likely pathogenic (1). 1 of the submissions does not count toward it. Last evaluated 2021-08-30.

Conditions:
Primary hyperoxaluria type 3. Also called: PH III. Identifiers: Orphanet 416, Orphanet 93600, MedGen C3150878, MONDO:0013327, OMIM 613616. Disease mechanism: loss of function.

Submissions (3):

Labcorp Genetics (formerly Invitae), Labcorp
Classification: Pathogenic. Last evaluated: 2021-08-30. Review status: criteria provided, single submitter. Criteria: Invitae Variant Classification Sherloc (09022015). Collection method: clinical testing. Allele origin: germline.
Comment: This variant is not present in population databases (ExAC no frequency). This missense change has been observed in individuals with clinical features of primary hyperoxaluria (PMID: 25644115; Invitae; externalcommunication). It has also been observed to segregate with disease in related individuals. ClinVar contains an entry for this variant (Variation ID: 204280). Advanced modeling of protein sequence and biophysical properties (such as structural, functional, and spatial information, amino acid conservation, physicochemical variation, residue mobility, and thermodynamic stability) performed at Invitae indicates that this missense variant is expected to disrupt HOGA1 protein function. For these reasons, this variant has been classified as Pathogenic. This sequence change replaces glycine with aspartic acid at codon 76 of the HOGA1 protein (p.Gly76Asp). The glycine residue is highly conserved and there is a moderate physicochemical difference between glycine and aspartic acid.

Revvity Omics, Revvity
Classification: Likely pathogenic. Last evaluated: 2020-11-17. Review status: criteria provided, single submitter. Criteria: ACMG Guidelines, 2015. Collection method: clinical testing. Allele origin: germline.

Clinical Biochemistry Laboratory, Health Services Laboratory
Classification: Pathogenic for Primary hyperoxaluria, type III. Last evaluated: 2014-11-27. Review status: no assertion criteria provided. Collection method: research. Allele origin: germline. Affected: yes. Not counted in ClinVar's aggregate classification.

Literature cited by the submitters: PubMed 25644115 (cited by Labcorp Genetics (formerly Invitae), Labcorp and Clinical Biochemistry Laboratory, Health Services Laboratory).

NM_138413.4(HOGA1):c.227G>A (p.Gly76Asp)

Gene: HOGA1 (4-hydroxy-2-oxoglutarate aldolase 1; plus strand). Cytogenetic location: 10q24.2.
Variant type: single nucleotide variant.
Coding change: c.227G>A on transcript NM_138413.4 (MANE Select); coding-DNA position 227, G replaced by A.
Protein change: p.Gly76Asp; replaces glycine 76 with aspartic acid.
Molecular consequence: missense variant. On other transcripts: intron variant (1).
Genome position (GRCh38, 1-based): chr10:97,598,790, G>A. VCF-style: chr10-97598790-G-A. GRCh37 (hg19) VCF-style: chr10-99358547-G-A.
Other names: c.212-3067G>A (NM_001134670.2); short protein forms G76D.
Identifiers: ClinVar variation 204280 (VCV000204280.12), dbSNP rs796052088, ClinGen allele CA203970.